The following is an entry in ClinVar:

NM_006642.5(SDCCAG8):c.1214G>T (p.Gly405Val)

Gene: SDCCAG8 (SHH signaling and ciliogenesis regulator SDCCAG8; plus strand). Cytogenetic location: 1q43.
Variant type: single nucleotide variant.
Coding change: c.1214G>T on transcript NM_006642.5 (MANE Select); coding-DNA position 1214, G replaced by T.
Protein change: p.Gly405Val; replaces glycine 405 with valine.
Molecular consequence: missense variant.
Genome position (GRCh38, 1-based): chr1:243,330,685, G>T. VCF-style: chr1-243330685-G-T. GRCh37 (hg19) VCF-style: chr1-243493987-G-T.
Other names: c.311G>T, p.Gly104Val (NM_001350246.2, NM_001350247.2, NM_001350251.2); c.1310G>T, p.Gly437Val (NM_001350248.2); c.920G>T, p.Gly307Val (NM_001350249.2); short protein forms G104V, G307V, G437V, G405V.
Identifiers: ClinVar variation 2381914 (VCV002381914.3), dbSNP rs1049926443, ClinGen allele CA40445354.

ClinVar aggregate classification (germline): Uncertain significance. Review status: criteria provided, single submitter (1 of 4 stars). 2 submissions from 2 submitters: Uncertain significance (1). 1 of the submissions does not count toward it. Last evaluated 2021-10-11.

Conditions:
Inborn genetic diseases. Identifiers: MedGen C0950123, MeSH D030342.
SDCCAG8-related disorder. Also called: SDCCAG8-Related Disorders; SDCCAG8-related condition.

Allele frequency attached by ClinVar (database versions not stated): gnomAD exomes below 0.00001; TOPMed below 0.00001; gnomAD 0.00001.
gnomAD v4.1: 2 of 1,613,964 alleles (0.00012%); highest among the groups gnomAD compares: Non-Finnish European, 0.00017%; no homozygotes.

Submissions (2):

Ambry Genetics
Classification: Uncertain significance for Inborn genetic diseases. Last evaluated: 2021-10-11. Review status: criteria provided, single submitter. Criteria: Ambry Variant Classification Scheme 2023. Collection method: clinical testing. Allele origin: germline.

PreventionGenetics, part of Exact Sciences
Classification: Uncertain significance for SDCCAG8-related condition. Last evaluated: 2024-05-31. Review status: no assertion criteria provided. Collection method: clinical testing. Allele origin: germline. Not counted in ClinVar's aggregate classification.
Comment: The SDCCAG8 c.1214G>T variant is predicted to result in the amino acid substitution p.Gly405Val. To our knowledge, this variant has not been reported in the literature or in gnomAD, indicating this variant is rare. At this time, the clinical significance of this variant is uncertain due to the absence of conclusive functional and genetic evidence.